The following is an entry in ClinVar:

ClinVar aggregate classification (germline): Uncertain significance. Review status: criteria provided, multiple submitters, no conflicts (2 of 4 stars). 2 submissions from 2 submitters: Uncertain significance (2). Last evaluated 2024-12-05.

Conditions:
Inborn genetic diseases. Identifiers: MedGen C0950123, MeSH D030342.

gnomAD v4.1: 11 of 1,613,978 alleles (0.00068%); highest among the groups gnomAD compares: Admixed American, 0.015%; no homozygotes.

Submissions (2):

Ambry Genetics
Classification: Uncertain significance for Inborn genetic diseases. Last evaluated: 2024-12-05. Review status: criteria provided, single submitter. Criteria: Ambry Variant Classification Scheme 2023. Collection method: clinical testing. Allele origin: germline.

Labcorp Genetics (formerly Invitae), Labcorp
Classification: Uncertain significance. Last evaluated: 2024-10-24. Review status: criteria provided, single submitter. Criteria: Invitae Variant Classification Sherloc (09022015). Collection method: clinical testing. Allele origin: germline.
Comment: This sequence change replaces alanine, which is neutral and non-polar, with valine, which is neutral and non-polar, at codon 1323 of the BPTF protein (p.Ala1323Val). This variant is present in population databases (rs201807939, gnomAD 0.01%). This variant has not been reported in the literature in individuals affected with BPTF-related conditions. An algorithm developed to predict the effect of missense changes on protein structure and function (PolyPhen-2) suggests that this variant is likely to be tolerated. In summary, the available evidence is currently insufficient to determine the role of this variant in disease. Therefore, it has been classified as a Variant of Uncertain Significance.

NM_182641.4(BPTF):c.3590C>T (p.Ala1197Val)

Gene: BPTF (bromodomain PHD finger transcription factor; plus strand). Cytogenetic location: 17q24.2.
Variant type: single nucleotide variant.
Coding change: c.3590C>T on transcript NM_182641.4 (MANE Select); coding-DNA position 3590, C replaced by T.
Protein change: p.Ala1197Val; replaces alanine 1197 with valine.
Molecular consequence: missense variant.
Genome position (GRCh38, 1-based): chr17:67,911,474, C>T. VCF-style: chr17-67911474-C-T. GRCh37 (hg19) VCF-style: chr17-65907590-C-T.
Other names: c.3968C>T, p.Ala1323Val (NM_004459.7); short protein forms A1197V, A1323V.
Identifiers: ClinVar variation 3481696 (VCV003481696.3).